The following is an entry in ClinVar:

NM_001042492.3(NF1):c.3176A>T (p.Asp1059Val)

Gene: NF1 (neurofibromin 1; plus strand). Cytogenetic location: 17q11.2.
Variant type: single nucleotide variant.
Coding change: c.3176A>T on transcript NM_001042492.3 (MANE Select); coding-DNA position 3176, A replaced by T.
Protein change: p.Asp1059Val; replaces aspartic acid 1059 with valine.
Molecular consequence: missense variant.
Genome position (GRCh38, 1-based): chr17:31,230,904, A>T. VCF-style: chr17-31230904-A-T. GRCh37 (hg19) VCF-style: chr17-29557922-A-T.
Other names: c.3176A>T, p.Asp1059Val (NM_000267.4); short protein forms D1059V.
Identifiers: ClinVar variation 823080 (VCV000823080.12), dbSNP rs1597717658, ClinGen allele CA398988206.
Genomic context (GRCh38, chr17:31,230,904, plus strand): 5'-ATAAGATGGTAGAATACCTGACAGACTGGGTTATGGGAACATCAAACCAAGCAGCAGATG[A>T]TGATGTAAAATGTCTTACAAGGTAAAAAAAGAATGACCTTCAAGTATTAGTGGGTTTTAC-3'
Protein context (NP_001035957.1, residues 1049-1069): VMGTSNQAAD[Asp1059Val]DVKCLTRDLD

ClinVar aggregate classification (germline): Uncertain significance. Review status: criteria provided, multiple submitters, no conflicts (2 of 4 stars). 3 submissions from 3 submitters: Uncertain significance (3). Last evaluated 2026-01-27.

Conditions:
Hereditary cancer-predisposing syndrome. Also called: Hereditary Cancer Syndrome; Neoplastic Syndromes, Hereditary; Hereditary neoplastic syndrome; Tumor predisposition. Identifiers: Orphanet 140162, MedGen C0027672, MeSH D009386, MONDO:0015356.
Cardiovascular phenotype. Identifiers: MedGen CN230736.
Neurofibromatosis, type 1 (NF1). Also called: Peripheral type neurofibromatosis; Neurofibromatosis, type I; NEUROFIBROMATOSIS, TYPE I, SOMATIC; VON RECKLINGHAUSEN DISEASE. Identifiers: Orphanet 636, MedGen C0027831, MONDO:0018975, OMIM 162200. Disease mechanism: loss of function.

Submissions (3):

Labcorp Genetics (formerly Invitae), Labcorp
Classification: Uncertain significance for Neurofibromatosis, type 1. Last evaluated: 2026-01-27. Review status: criteria provided, single submitter. Criteria: Invitae Variant Classification Sherloc (09022015). Collection method: clinical testing. Allele origin: germline.
Comment: This sequence change replaces aspartic acid, which is acidic and polar, with valine, which is neutral and non-polar, at codon 1059 of the NF1 protein (p.Asp1059Val). This variant is not present in population databases (gnomAD no frequency). This variant has not been reported in the literature in individuals affected with NF1-related conditions. ClinVar contains an entry for this variant (Variation ID: 823080). Invitae Evidence Modeling of protein sequence and biophysical properties (such as structural, functional, and spatial information, amino acid conservation, physicochemical variation, residue mobility, and thermodynamic stability) indicates that this missense variant is not expected to disrupt NF1 protein function with a negative predictive value of 95%. In summary, the available evidence is currently insufficient to determine the role of this variant in disease. Therefore, it has been classified as a Variant of Uncertain Significance.

Genome-Nilou Lab
Classification: Uncertain significance for Neurofibromatosis, type 1. Last evaluated: 2022-03-15. Review status: criteria provided, single submitter. Criteria: ACMG Guidelines, 2015. Collection method: clinical testing. Allele origin: germline. Affected: no.

Ambry Genetics
Classification: Uncertain significance for Cardiovascular phenotype; Hereditary cancer-predisposing syndrome. Last evaluated: 2019-12-19. Review status: criteria provided, single submitter. Criteria: Ambry Variant Classification Scheme 2023. Collection method: clinical testing. Allele origin: germline.